The following is an entry in ClinVar:

NM_000179.3(MSH6):c.1153_1154delinsCC (p.Arg385Pro)

Gene: MSH6 (mutS homolog 6; plus strand). Cytogenetic location: 2p16.3.
Variant type: Indel.
Coding change: c.1153_1154delinsCC on transcript NM_000179.3 (MANE Select); coding-DNA positions 1153 to 1154, AG replaced by CC.
Protein change: p.Arg385Pro; replaces arginine 385 with proline.
Molecular consequence: missense variant. On other transcripts: non-coding transcript variant (4), intron variant (1).
Genome position (GRCh38, 1-based): chr2:47,799,136-47,799,137, AG replaced by CC. VCF-style: chr2-47799136-AG-CC. GRCh37 (hg19) VCF-style: chr2-48026275-AG-CC.
Other names: c.763_764delinsCC, p.Arg255Pro (NM_001281492.2); c.247_248delinsCC, p.Arg83Pro (NM_001281493.2, NM_001281494.2, NM_001406811.1 and 6 more transcripts); c.1249_1250delinsCC, p.Arg417Pro (NM_001406795.1, NM_001406802.1); c.1153_1154delinsCC, p.Arg385Pro (NM_001406796.1, NM_001406798.1, NM_001406800.1 and 4 more transcripts); c.856_857delinsCC, p.Arg286Pro (NM_001406797.1, NM_001406801.1, NM_001406805.1 and 10 more transcripts); c.628_629delinsCC, p.Arg210Pro (NM_001406799.1, NM_001406806.1, NM_001406807.1); c.1075_1076delinsCC, p.Arg359Pro (NM_001406804.1); c.1159_1160delinsCC, p.Arg387Pro (NM_001406813.1); and 2 more; short protein forms R255P, R329P, R385P, R387P, R83P, R210P, R359P, R417P.
Identifiers: ClinVar variation 4657437 (VCV004657437.1).
Genomic context (GRCh38, chr2:47,799,136, plus strand): 5'-TGGTATCATGAAACTTTAGAATGGCTTAAGGAGGAAAAGAGAAGAGATGAGCACAGGAGG[AG>CC]GCCTGATCACCCCGATTTTGATGCATCTACACTCTATGTGCCTGAGGATTTCCTCAATTC-3'
Protein context (NP_000170.1, residues 375-395): EEKRRDEHRR[Arg385Pro]PDHPDFDAST

ClinVar aggregate classification (germline): Uncertain significance (1 of 4 stars; one submission).

Conditions:
Hereditary cancer-predisposing syndrome. Also called: Neoplastic Syndromes, Hereditary; Tumor predisposition; Hereditary Cancer Syndrome; Hereditary neoplastic syndrome. Identifiers: Orphanet 140162, MedGen C0027672, MeSH D009386, MONDO:0015356.

Submission:

Ambry Genetics
Classification: Uncertain significance for Hereditary cancer-predisposing syndrome. Last evaluated: 2025-09-26. Review status: criteria provided, single submitter. Criteria: Ambry Variant Classification Scheme 2023. Collection method: clinical testing. Allele origin: germline.
Comment: The c.1153_1154delAGinsCC variant, located in coding exon 4 of the MSH6 gene, results from an in-frame deletion of AG and insertion of CC at nucleotide positions 1153 to 1154. This results in the substitution of the arginine residue for a proline residue at codon 385, an amino acid with dissimilar properties. This amino acid position is highly conserved in available vertebrate species. In addition, the in silico prediction for this variant is inconclusive (Choi Y et al. PLoS ONE. 2012; 7(10):e46688). Based on the available evidence, the clinical significance of this variant remains unclear.